The following is an entry in ClinVar:

NM_001375808.2(LPIN2):c.1073T>C (p.Met358Thr)

Gene: LPIN2 (lipin 2; minus strand). Cytogenetic location: 18p11.31.
Variant type: single nucleotide variant.
Coding change: c.1073T>C on transcript NM_001375808.2 (MANE Select); coding-DNA position 1073, T replaced by C.
Protein change: p.Met358Thr; replaces methionine 358 with threonine.
Molecular consequence: missense variant.
Genome position (GRCh38, 1-based): chr18:2,937,787, A>G on the plus strand (T>C on the coding strand, the complement: LPIN2 is on the minus strand). VCF-style: chr18-2937787-A-G. GRCh37 (hg19) VCF-style: chr18-2937785-A-G.
Other names: c.1073T>C, p.Met358Thr (NM_001375809.1, NM_014646.2); short protein forms M358T.
Identifiers: ClinVar variation 941801 (VCV000941801.10), dbSNP rs2077309425, ClinGen allele CA401706311.
Genomic context (GRCh38, chr18:2,937,787, plus strand): 5'-GGTTTGGATTCTGAGGGCGCCTCCGCTAAGGCTGCGTTGGGAAGGTGGTCAGCATCTAAC[A>G]TAGATGAAATCTGAGTACTCTCAAGAGGAGGTTCGAGAAGCTCTGCCACAGATGTTGGGT-3'
Protein context (NP_001362737.1, residues 348-368): PPLESTQISS[Met358Thr]LDADHLPNAA

ClinVar aggregate classification (germline): Uncertain significance (1 of 4 stars; one submission).

Conditions:
Majeed syndrome (MJDS). Also called: CHRONIC RECURRENT MULTIFOCAL OSTEOMYELITIS 1, WITH CONGENITAL DYSERYTHROPOIETIC ANEMIA, WITH OR WITHOUT NEUTROPHILIC DERMATOSIS; LPIN2-Related Majeed Syndrome. Identifiers: Orphanet 77297, MedGen C1864997, MONDO:0012316, OMIM 609628.

Submission:

Labcorp Genetics (formerly Invitae), Labcorp
Classification: Uncertain significance for Majeed syndrome. Last evaluated: 2024-10-23. Review status: criteria provided, single submitter. Criteria: Invitae Variant Classification Sherloc (09022015). Collection method: clinical testing. Allele origin: germline.
Comment: This sequence change replaces methionine, which is neutral and non-polar, with threonine, which is neutral and polar, at codon 358 of the LPIN2 protein (p.Met358Thr). This variant is not present in population databases (gnomAD no frequency). This variant has not been reported in the literature in individuals affected with LPIN2-related conditions. ClinVar contains an entry for this variant (Variation ID: 941801). Invitae Evidence Modeling of protein sequence and biophysical properties (such as structural, functional, and spatial information, amino acid conservation, physicochemical variation, residue mobility, and thermodynamic stability) indicates that this missense variant is not expected to disrupt LPIN2 protein function with a negative predictive value of 80%. In summary, the available evidence is currently insufficient to determine the role of this variant in disease. Therefore, it has been classified as a Variant of Uncertain Significance.